The following is an entry in ClinVar:

NM_000051.4(ATM):c.3989A>G (p.Lys1330Arg)

Gene: ATM (ATM serine/threonine kinase; plus strand). Cytogenetic location: 11q22.3.
Variant type: single nucleotide variant.
Coding change: c.3989A>G on transcript NM_000051.4 (MANE Select); coding-DNA position 3989, A replaced by G.
Protein change: p.Lys1330Arg; replaces lysine 1330 with arginine.
Molecular consequence: missense variant.
Genome position (GRCh38, 1-based): chr11:108,284,469, A>G. VCF-style: chr11-108284469-A-G. GRCh37 (hg19) VCF-style: chr11-108155196-A-G.
Other names: c.3989A>G, p.Lys1330Arg (NM_001351834.2); short protein forms K1330R.
Identifiers: ClinVar variation 630441 (VCV000630441.9), dbSNP rs1565447970, ClinGen allele CA382526270.
Genomic context (GRCh38, chr11:108,284,469, plus strand): 5'-AGCAAAGAGAGACTGCTACCAAGGTCTATGATATGCTTAAAAGTGAAAACTTATTGGGAA[A>G]ACAGGTATGGCTTCAATTTTTATGTACTTTTCATTCCCTGAATGATATGAGATATAACCT-3'
Protein context (NP_000042.3, residues 1320-1340): DMLKSENLLG[Lys1330Arg]QIDHLFISNL

ClinVar aggregate classification (germline): Uncertain significance. Review status: criteria provided, multiple submitters, no conflicts (2 of 4 stars). 3 submissions from 3 submitters: Uncertain significance (3). Last evaluated 2024-09-24.

Conditions:
Hereditary cancer-predisposing syndrome. Also called: Hereditary Cancer Syndrome; Neoplastic Syndromes, Hereditary; Tumor predisposition; Hereditary neoplastic syndrome. Identifiers: Orphanet 140162, MedGen C0027672, MeSH D009386, MONDO:0015356.
Ataxia-telangiectasia syndrome (AT). Also called: Ataxia-telangiectasia, complementation group D; AT, COMPLEMENTATION GROUP C; Ataxia-telangiectasia; ATAXIA-TELANGIECTASIA, COMPLEMENTATION GROUP A; ATAXIA-TELANGIECTASIA, FRESNO VARIANT; LOUIS-BAR SYNDROME. Identifiers: Orphanet 100, MedGen C0004135, MONDO:0008840, OMIM 208900.

gnomAD v4.1: 3 of 1,613,938 alleles (0.00019%); highest among the groups gnomAD compares: Non-Finnish European, 0.00025%; no homozygotes.

Submissions (3):

ARUP Laboratories, Molecular Genetics and Genomics, ARUP Laboratories
Classification: Uncertain significance. Last evaluated: 2024-09-24. Review status: criteria provided, single submitter. Criteria: ARUP Molecular Germline Variant Investigation Process 2024. Collection method: clinical testing. Allele origin: germline.
Comment: The ATM c.3989A>G; p.Lys1330Arg variant (rs1565447970), to our knowledge, is not reported in the medical literature but is reported in ClinVar (Variation ID: 630441). This variant is absent from the Genome Aggregation Database (v2.1.1), indicating it is not a common polymorphism. Computational analyses predict that this variant is neutral (REVEL: 0.138). Due to limited information, the clinical significance of this variant is uncertain at this time.

Color Diagnostics, LLC DBA Color Health
Classification: Uncertain significance for Hereditary cancer-predisposing syndrome. Last evaluated: 2023-12-05. Review status: criteria provided, single submitter. Criteria: ACMG Guidelines, 2015. Collection method: clinical testing. Allele origin: germline.
Comment: This missense variant replaces lysine with arginine at codon 1330 of the ATM protein. Computational prediction suggests that this variant may not impact protein structure and function (internally defined REVEL score threshold <= 0.5, PMID: 27666373). To our knowledge, functional studies have not been reported for this variant. This variant has not been reported in individuals affected with ATM-related disorders in the literature. This variant has not been identified in the general population by the Genome Aggregation Database (gnomAD). The available evidence is insufficient to determine the role of this variant in disease conclusively. Therefore, this variant is classified as a Variant of Uncertain Significance.

Labcorp Genetics (formerly Invitae), Labcorp
Classification: Uncertain significance for Ataxia-telangiectasia syndrome. Last evaluated: 2023-03-09. Review status: criteria provided, single submitter. Criteria: Invitae Variant Classification Sherloc (09022015). Collection method: clinical testing. Allele origin: germline.
Comment: In summary, the available evidence is currently insufficient to determine the role of this variant in disease. Therefore, it has been classified as a Variant of Uncertain Significance. An algorithm developed to predict the effect of missense changes on protein structure and function (PolyPhen-2) suggests that this variant is likely to be tolerated. ClinVar contains an entry for this variant (Variation ID: 630441). This variant has not been reported in the literature in individuals affected with ATM-related conditions. This variant is not present in population databases (gnomAD no frequency). This sequence change replaces lysine, which is basic and polar, with arginine, which is basic and polar, at codon 1330 of the ATM protein (p.Lys1330Arg).